The following is an entry in ClinVar:

NM_003480.4(MFAP5):c.-3+20G>C

Gene: MFAP5 (microfibril associated protein 5; minus strand). Cytogenetic location: 12p13.31.
Variant type: single nucleotide variant.
Coding change: c.-3+20G>C on transcript NM_003480.4 (MANE Select); 20 bases into the intron after 3 bases upstream of the start codon, G replaced by C.
Molecular consequence: intron variant.
Genome position (GRCh38, 1-based): chr12:8,662,607, C>G on the plus strand (G>C on the coding strand, the complement: MFAP5 is on the minus strand). VCF-style: chr12-8662607-C-G. GRCh37 (hg19) VCF-style: chr12-8815203-C-G.
Other names: c.-3+20G>C (NM_001297710.2, NM_001297711.2, NM_001297712.2 and 1 more transcripts).
Identifiers: ClinVar variation 511029 (VCV000511029.1), dbSNP rs541027497, ClinGen allele CA232307238.

ClinVar aggregate classification (germline): Likely benign (1 of 4 stars; one submission).

Allele frequency attached by ClinVar (database versions not stated): gnomAD 0.00003; TOPMed 0.00002.

Submission:

GeneDx
Classification: Likely benign. Last evaluated: 2017-07-24. Review status: criteria provided, single submitter. Criteria: GeneDx Variant Classification (06012015). Collection method: clinical testing. Allele origin: germline. Affected: yes.
Comment: This variant is considered likely benign or benign based on one or more of the following criteria: it is a conservative change, it occurs at a poorly conserved position in the protein, it is predicted to be benign by multiple in silico algorithms, and/or has population frequency not consistent with disease.